The following is an entry in ClinVar:

NM_000535.7(PMS2):c.804-44C>T

Gene: PMS2 (PMS1 homolog 2, mismatch repair system component; minus strand). Cytogenetic location: 7p22.1.
Variant type: single nucleotide variant.
Coding change: c.804-44C>T on transcript NM_000535.7 (MANE Select); 44 bases into the intron before coding-DNA position 804, C replaced by T.
Molecular consequence: intron variant.
Genome position (GRCh38, 1-based): chr7:5,995,677, G>A on the plus strand (C>T on the coding strand, the complement: PMS2 is on the minus strand). VCF-style: chr7-5995677-G-A. GRCh37 (hg19) VCF-style: chr7-6035308-G-A.
Other names: c.486-44C>T (NM_001322008.2, NM_001406902.1, NM_001406883.1 and 4 more transcripts); c.495-44C>T (NM_001406881.1, NM_001406879.1, NM_001322015.2 and 6 more transcripts); c.399-44C>T (NM_001406895.1, NM_001322010.2, NM_001322004.2 and 19 more transcripts); c.133-3620C>T (NM_001406911.1); c.291-44C>T (NM_001406904.1, NM_001406905.1); c.231-44C>T (NM_001322013.2, NM_001406909.1); c.-130-44C>T (NM_001322012.2, NM_001322011.2); c.468-44C>T (NM_001406885.1); and 8 more.
Identifiers: ClinVar variation 3903656 (VCV003903656.1).

ClinVar aggregate classification (germline): Benign (1 of 4 stars; one submission).

Conditions:
Lynch syndrome 4 (LYNCH4). Also called: Colorectal cancer, hereditary nonpolyposis, type 4; Hereditary non-polyposis colorectal cancer, type 4. Identifiers: Orphanet 144, MedGen C1838333, MONDO:0013699, OMIM 614337. Disease mechanism: loss of function.

Submission:

Myriad Genetics, Inc.
Classification: Benign for Lynch syndrome 4. Last evaluated: 2025-01-28. Review status: criteria provided, single submitter. Criteria: Myriad Autosomal Dominant, Autosomal Recessive and X-Linked Classification Criteria (2023). Collection method: clinical testing. Allele origin: unknown.
Comment: This variant is considered benign. This variant is intronic and is not expected to impact mRNA splicing.